The following is an entry in ClinVar:

NM_006642.5(SDCCAG8):c.2129A>T (p.Gln710Leu)

Genes: AKT3 (AKT serine/threonine kinase 3; minus strand), SDCCAG8 (SHH signaling and ciliogenesis regulator SDCCAG8; plus strand). Cytogenetic location: 1q43.
Variant type: single nucleotide variant.
Coding change: c.2129A>T on transcript NM_006642.5 (MANE Select); coding-DNA position 2129, A replaced by T.
Protein change: p.Gln710Leu; replaces glutamine 710 with leucine.
Molecular consequence: missense variant. On other transcripts: 3 prime UTR variant (2).
Genome position (GRCh38, 1-based): chr1:243,499,772, A>T. VCF-style: chr1-243499772-A-T. GRCh37 (hg19) VCF-style: chr1-243663074-A-T.
Other names: c.1369T>A, p.Cys457Ser (NM_001206729.2, NM_181690.2); c.*5477T>A (NM_001370074.1, NM_005465.7); c.1226A>T, p.Gln409Leu (NM_001350246.2, NM_001350247.2, NM_001350251.2); c.2225A>T, p.Gln742Leu (NM_001350248.2); c.1835A>T, p.Gln612Leu (NM_001350249.2); short protein forms Q742L, C457S, Q409L, Q612L, Q710L.
Identifiers: ClinVar variation 3346198 (VCV003346198.1).

ClinVar aggregate classification (germline): Uncertain significance (0 of 4 stars; one submission).

Conditions:
SDCCAG8-related disorder. Also called: SDCCAG8-Related Disorders; SDCCAG8-related condition.

Submission:

PreventionGenetics, part of Exact Sciences
Classification: Uncertain significance for SDCCAG8-related condition. Last evaluated: 2024-08-13. Review status: no assertion criteria provided. Collection method: clinical testing. Allele origin: germline.
Comment: The SDCCAG8 c.2129A>T variant is predicted to result in the amino acid substitution p.Gln710Leu. To our knowledge, this variant has not been reported in the literature or in gnomAD, indicating this variant is rare. At this time, the clinical significance of this variant is uncertain due to the absence of conclusive functional and genetic evidence.